The following is an entry in ClinVar:

NM_006035.4(CDC42BPB):c.1717G>A (p.Ala573Thr)

Gene: CDC42BPB (CDC42 binding protein kinase beta; minus strand). Cytogenetic location: 14q32.32.
Variant type: single nucleotide variant.
Coding change: c.1717G>A on transcript NM_006035.4 (MANE Select); coding-DNA position 1717, G replaced by A.
Protein change: p.Ala573Thr; replaces alanine 573 with threonine.
Molecular consequence: missense variant.
Genome position (GRCh38, 1-based): chr14:102,972,086, C>T on the plus strand (G>A on the coding strand, the complement: CDC42BPB is on the minus strand). VCF-style: chr14-102972086-C-T. GRCh37 (hg19) VCF-style: chr14-103438423-C-T.
Other names: c.1717G>A, p.Ala573Thr (NM_001411054.1); short protein forms A573T.
Identifiers: ClinVar variation 3341455 (VCV003341455.2).

ClinVar aggregate classification (germline): Uncertain significance (1 of 4 stars; one submission).

Conditions:
Chilton-Okur-Chung neurodevelopmental syndrome (CHOCNS). Identifiers: MedGen C5677022, MONDO:0859239, OMIM 619841.

gnomAD v4.1: 5 of 1,614,278 alleles (0.00031%); highest among the groups gnomAD compares: South Asian, 0.0055%; no homozygotes.

Submission:

Neuberg Centre For Genomic Medicine, NCGM
Classification: Uncertain significance for Chilton-Okur-Chung neurodevelopmental syndrome. Review status: criteria provided, single submitter. Criteria: ACMG Guidelines, 2015. Collection method: clinical testing. Allele origin: germline. Inheritance: Autosomal dominant inheritance. Affected: yes.
Comment: The observed missense c.1717G>A p.Ala573Thr variant in CDC42BPB gene has not been reported previously as a pathogenic variant nor as a benign variant, to our knowledge. The p.Ala573Thr variant has allele frequency 0.001% in gnomAD Exomes. This variant has not been submitted to the ClinVar database. Multiple lines of computational evidence Polyphen - Benign, SIFT - Tolerated and MutationTaster - Disease causing predicts conflicting evidence on protein structure and function for this variant. The reference amino acid on CDC42BPB gene is predicted as conserved by GERP++ and PhyloP across 100 vertebrates. The amino acid Ala at position 573 is changed to a Thr changing protein sequence and it might alter its composition and physico-chemical properties. For these reasons, this variant has been classified as Variant of Uncertain Significance VUS.